The following is an entry in ClinVar:

NM_001374736.1(DST):c.21423G>A (p.Val7141=)

Gene: DST (dystonin; minus strand). Cytogenetic location: 6p12.1.
Variant type: single nucleotide variant.
Coding change: c.21423G>A on transcript NM_001374736.1 (MANE Select); coding-DNA position 21423, G replaced by A.
Protein change: p.Val7141=; no amino-acid change (valine 7141 retained).
Molecular consequence: synonymous variant.
Genome position (GRCh38, 1-based): chr6:56,482,158, C>T on the plus strand (G>A on the coding strand, the complement: DST is on the minus strand). VCF-style: chr6-56482158-C-T. GRCh37 (hg19) VCF-style: chr6-56346956-C-T.
Other names: p.Val4518=; c.15066G>A, p.Val5022= (NM_001144769.5); c.14652G>A, p.Val4884= (NM_001144770.2); c.21423G>A, p.Val7141= (NM_001374722.1); c.20463G>A, p.Val6821= (NM_001374729.1); c.14205G>A, p.Val4735= (NM_001374730.1); c.21450G>A, p.Val7150= (NM_001374734.1); c.14532G>A, p.Val4844= (NM_001386100.1, NM_183380.4); and 1 more.
Identifiers: ClinVar variation 795697 (VCV000795697.38), dbSNP rs201115435, ClinGen allele CA3866477.

ClinVar aggregate classification (germline): Benign/Likely benign. Review status: criteria provided, multiple submitters, no conflicts (2 of 4 stars). 4 submissions from 4 submitters: Benign (1); Likely benign (3). Last evaluated 2026-07-01.

Conditions:
Hereditary sensory and autonomic neuropathy type 6. Also called: HSAN VI; Neuropathy, hereditary sensory and autonomic, type VI. Identifiers: Orphanet 314381, MedGen C3539003, MONDO:0013839, OMIM 614653.
Epidermolysis bullosa simplex 3, localized or generalized intermediate, with BP230 deficiency (EBS3). Also called: Epidermolysis bullosa simplex, autosomal recessive 2; Epidermolysis bullosa simplex due to BP230 deficiency. Identifiers: Orphanet 412181, MedGen C3809470, MONDO:0014180, OMIM 615425.

Allele frequency attached by ClinVar (database versions not stated): gnomAD 0.00133 and 0.00108; ExAC 0.00104; TOPMed 0.00110; ESP Exome Variant Server 0.00147; 1000 Genomes Project 0.00040; 1000 Genomes Project 30x 0.00047; gnomAD exomes 0.00102 and 0.00134.
gnomAD v4.1: 2,113 of 1,607,642 alleles (0.13%); highest among the groups gnomAD compares: Non-Finnish European, 0.16%; 4 homozygotes.

Submissions (4):

CeGaT Center for Human Genetics Tuebingen
Classification: Likely benign. Last evaluated: 2026-07-01. Review status: criteria provided, single submitter. Criteria: CeGaT Center For Human Genetics Tuebingen Variant Classification Criteria Version 2. Collection method: clinical testing. Allele origin: germline. Affected: yes. Observed: 8 variant alleles.
Comment: DST: BP4, BS2

Labcorp Genetics (formerly Invitae), Labcorp
Classification: Benign for Epidermolysis bullosa simplex 3, localized or generalized intermediate, with BP230 deficiency; Hereditary sensory and autonomic neuropathy type 6. Last evaluated: 2026-02-01. Review status: criteria provided, single submitter. Criteria: Invitae Variant Classification Sherloc (09022015). Collection method: clinical testing. Allele origin: germline.

Mayo Clinic Laboratories, Mayo Clinic
Classification: Likely benign. Last evaluated: 2025-03-18. Review status: criteria provided, single submitter. Criteria: ACMG Guidelines, 2015. Collection method: clinical testing. Allele origin: germline. Observed: 6 variant alleles.
Comment: BS1, BP4, BP7

Blueprint Genetics
Classification: Likely benign. Last evaluated: 2024-11-25. Review status: criteria provided, single submitter. Criteria: ACMG Guidelines, 2015. Collection method: clinical testing. Allele origin: germline.